The following is an entry in ClinVar:

NM_001287.6(CLCN7):c.2135G>A (p.Arg712Gln)

Gene: CLCN7 (chloride voltage-gated channel 7; minus strand). Cytogenetic location: 16p13.3.
Variant type: single nucleotide variant.
Coding change: c.2135G>A on transcript NM_001287.6 (MANE Select); coding-DNA position 2135, G replaced by A.
Protein change: p.Arg712Gln; replaces arginine 712 with glutamine.
Molecular consequence: missense variant.
Genome position (GRCh38, 1-based): chr16:1,447,507, C>T on the plus strand (G>A on the coding strand, the complement: CLCN7 is on the minus strand). VCF-style: chr16-1447507-C-T. GRCh37 (hg19) VCF-style: chr16-1497508-C-T.
Other names: c.2063G>A, p.Arg688Gln (NM_001114331.3); short protein forms R712Q, R688Q.
Identifiers: ClinVar variation 1378919 (VCV001378919.6), dbSNP rs760171498, ClinGen allele CA7809908.
Genomic context (GRCh38, chr16:1,447,507, plus strand): 5'-TCCCGCTCGTCCTGGGACACGTGGATGGACTGGATGGGTGGGAAGCGCGGGTAGGCGTCT[C>T]GGAAGTCCTTCAGCCTCAGGCGCCGCTGTACCAGGCCCAGGTTGGACCGCTCCACAAACA-3'
Protein context (NP_001278.1, residues 702-722): VQRRLRLKDF[Arg712Gln]DAYPRFPPIQ

ClinVar aggregate classification (germline): Uncertain significance (1 of 4 stars; one submission).

Allele frequency attached by ClinVar (database versions not stated): gnomAD exomes 0.00001 and 0.00002.
gnomAD v4.1: 24 of 1,554,818 alleles (0.0015%); highest among the groups gnomAD compares: Non-Finnish European, 0.002%; no homozygotes.

Submission:

Labcorp Genetics (formerly Invitae), Labcorp
Classification: Uncertain significance. Last evaluated: 2025-07-06. Review status: criteria provided, single submitter. Criteria: Invitae Variant Classification Sherloc (09022015). Collection method: clinical testing. Allele origin: germline.
Comment: This sequence change replaces arginine, which is basic and polar, with glutamine, which is neutral and polar, at codon 712 of the CLCN7 protein (p.Arg712Gln). The frequency data for this variant in the population databases is considered unreliable, as metrics indicate poor data quality at this position in the gnomAD database. This variant has not been reported in the literature in individuals affected with CLCN7-related conditions. ClinVar contains an entry for this variant (Variation ID: 1378919). Invitae Evidence Modeling of protein sequence and biophysical properties (such as structural, functional, and spatial information, amino acid conservation, physicochemical variation, residue mobility, and thermodynamic stability) indicates that this missense variant is not expected to disrupt CLCN7 protein function with a negative predictive value of 95%. In summary, the available evidence is currently insufficient to determine the role of this variant in disease. Therefore, it has been classified as a Variant of Uncertain Significance.